The following is an entry in ClinVar:

NM_000883.4(IMPDH1):c.968A>G (p.Lys323Arg)

Gene: IMPDH1 (inosine monophosphate dehydrogenase 1; minus strand). Cytogenetic location: 7q32.1.
Variant type: single nucleotide variant.
Coding change: c.968A>G on transcript NM_000883.4 (MANE Select); coding-DNA position 968, A replaced by G.
Protein change: p.Lys323Arg; replaces lysine 323 with arginine.
Molecular consequence: missense variant.
Genome position (GRCh38, 1-based): chr7:128,398,520, T>C on the plus strand (A>G on the coding strand, the complement: IMPDH1 is on the minus strand). VCF-style: chr7-128398520-T-C. GRCh37 (hg19) VCF-style: chr7-128038574-T-C.
Other names: p.Lys323Arg; c.938A>G, p.Lys313Arg (NM_001102605.2); c.713A>G, p.Lys238Arg (NM_001142573.2); c.698A>G, p.Lys233Arg (NM_001142574.2); c.638A>G, p.Lys213Arg (NM_001142575.2); c.869A>G, p.Lys290Arg (NM_001142576.2); c.761A>G, p.Lys254Arg (NM_001304521.2); c.860A>G, p.Lys287Arg (NM_183243.3); short protein forms K213R, K238R, K254R, K313R, K323R, K233R, K287R, K290R.
Identifiers: ClinVar variation 937932 (VCV000937932.13), dbSNP rs1798086782, ClinGen allele CA369169029.

ClinVar aggregate classification (germline): Pathogenic/Likely pathogenic. Review status: criteria provided, multiple submitters, no conflicts (2 of 4 stars). 6 submissions from 6 submitters: Pathogenic (4); Likely pathogenic (2). Last evaluated 2025-12-09.

Conditions:
Retinitis pigmentosa 10 (RP10). Identifiers: Orphanet 791, MedGen C1867299, MONDO:0008379, OMIM 180105.
Leber congenital amaurosis 11 (LCA11). Identifiers: Orphanet 65, MedGen C1840284, MONDO:0013454, OMIM 613837.
IMPDH1-related disorder. Also called: IMPDH1-related disorders; IMPDH1-related condition.

Allele frequency attached by ClinVar (database versions not stated): gnomAD exomes below 0.00001.
gnomAD v4.1: 1 of 1,613,766 alleles (0.000062%); highest among the groups gnomAD compares: Non-Finnish European, 0.000085%; no homozygotes.

Submissions (6):

Research Institute for Ophthalmology and Vision Science, Shahid Beheshti University of Medical Sciences
Classification: Pathogenic for Retinitis pigmentosa 10. Last evaluated: 2025-12-09. Review status: criteria provided, single submitter. Criteria: ACMG Guidelines, 2015. Collection method: research. Allele origin: inherited. Inheritance: Autosomal dominant inheritance. Affected: yes.
Comment: This variant is absent from population databases and has been observed to segregate with disease in several affected members of a family with autosomal dominant retinitis pigmentosa. ClinVar includes an entry for this change (Variation ID: 937932). Computational prediction tools also indicate that the variant is likely to be damaging.

Labcorp Genetics (formerly Invitae), Labcorp
Classification: Pathogenic. Last evaluated: 2025-11-17. Review status: criteria provided, single submitter. Criteria: Invitae Variant Classification Sherloc (09022015). Collection method: clinical testing. Allele origin: germline.
Comment: This sequence change replaces lysine, which is basic and polar, with arginine, which is basic and polar, at codon 323 of the IMPDH1 protein (p.Lys323Arg). This variant is not present in population databases (gnomAD no frequency). This missense change has been observed in individuals with autosomal dominant retinitis pigmentosa (PMID: 16038673, 28488341, 28559085; internal data). It has also been observed to segregate with disease in related individuals. This variant is also known as Lys238Arg. ClinVar contains an entry for this variant (Variation ID: 937932). An algorithm developed to predict the effect of missense changes on protein structure and function (PolyPhen-2) suggests that this variant is likely to be disruptive. This variant disrupts the p.Lys323 amino acid residue in IMPDH1. Other variant(s) that disrupt this residue have been observed in individuals with IMPDH1-related conditions (PMID: 15851576), which suggests that this may be a clinically significant amino acid residue. For these reasons, this variant has been classified as Pathogenic.

3billion
Classification: Pathogenic for Retinitis pigmentosa 10. Last evaluated: 2024-12-13. Review status: criteria provided, single submitter. Criteria: ACMG Guidelines, 2015. Collection method: clinical testing. Allele origin: germline. Affected: yes.
Comment: The variant is observed at an extremely low frequency in the gnomAD v4.1.0 dataset (total allele frequency: <0.001%). Predicted Consequence/Location: The variant is located in a mutational hot spot and/or well-established functional domain in which established pathogenic variants have been reported (PMID: 26558346, 35191957). In silico tool predictions suggest damaging effect of the variant on gene or gene product [REVEL: 0.81 (>=0.6, sensitivity 0.68 and specificity 0.92); 3Cnet: 0.97 (>=0.6, sensitivity 0.72 and precision 0.9)]. The same nucleotide change resulting in the same amino acid change has been previously reported as pathogenic/likely pathogenic with strong evidence (ClinVar ID: VCV000937932 /PMID: 16038673 /3billion dataset). Different missense changes at the same codon (p.Lys323Glu, p.Lys323Met) have been reported to be associated with IMPDH1-related disorder (PMID: 33691693 /3billion dataset). Therefore, this variant is classified as Pathogenic according to the recommendation of ACMG/AMP guideline.

Blueprint Genetics
Classification: Pathogenic for IMPDH1-related disorders. Last evaluated: 2024-09-27. Review status: criteria provided, single submitter. Criteria: ACMG Guidelines, 2015. Collection method: clinical testing. Allele origin: germline. Affected: yes. Observed: 5 variant alleles.

Foundation for Research in Genetics and Endocrinology, FRIGE's Institute of Human Genetics
Classification: Likely pathogenic for Leber congenital amaurosis 11. Last evaluated: 2024-08-19. Review status: criteria provided, single submitter. Criteria: ACMG Guidelines, 2015. Collection method: clinical testing. Allele origin: germline. Inheritance: Autosomal dominant inheritance. Affected: yes. Observed: 1 heterozygote.
Comment: A heterozygous missense variant in exon 10 of the IMPDH1 gene that results in the amino acid substitution of Arginine for Lysine at codon 323 was detected. The identified variant has not been reported in 1000 genomes and gnomAD. In the ClinVar database, the identified variant has been reported as 'pathogenic/ likley pathogenic' (VCV000937932.7). The in silico prediction of the variant is damaging by LRT, MutationTaster and SIFT. The reference codon is conserved across species. In summary, the variant meets our criteria to be classified as likley pathogenic.

GeneDx
Classification: Likely pathogenic. Last evaluated: 2022-06-16. Review status: criteria provided, single submitter. Criteria: GeneDx Variant Classification Process June 2021. Collection method: clinical testing. Allele origin: germline. Affected: yes.
Comment: Not observed at significant frequency in large population cohorts (gnomAD); In silico analysis, which includes protein predictors and evolutionary conservation, supports a deleterious effect; Also known as K238R using alternate nomenclature; This variant is associated with the following publications: (PMID: 19788668, 16038673, 28488341, 28559085, 33090715, 32795431, 25472526, 34321860)

Literature cited by the submitters: PubMed 28488341 (cited by Research Institute for Ophthalmology and Vision Science, Shahid Beheshti University of Medical Sciences and Labcorp Genetics (formerly Invitae), Labcorp); PubMed 16038673 (cited by Labcorp Genetics (formerly Invitae), Labcorp and 3billion); PubMed 28559085 (cited by Labcorp Genetics (formerly Invitae), Labcorp); PubMed 15851576 (cited by Labcorp Genetics (formerly Invitae), Labcorp); PubMed 33691693 (cited by 3billion).